The following is an entry in ClinVar:

NM_007294.4(BRCA1):c.162G>A (p.Gln54=)

Gene: BRCA1 (BRCA1 DNA repair associated; minus strand). Cytogenetic location: 17q21.31.
Variant type: single nucleotide variant.
Coding change: c.162G>A on transcript NM_007294.4 (MANE Select); coding-DNA position 162, G replaced by A.
Protein change: p.Gln54=; no amino-acid change (glutamine 54 retained).
Molecular consequence: synonymous variant. On other transcripts: intron variant (34), 5 prime UTR variant (61).
Genome position (GRCh38, 1-based): chr17:43,106,506, C>T on the plus strand (G>A on the coding strand, the complement: BRCA1 is on the minus strand). VCF-style: chr17-43106506-C-T. GRCh37 (hg19) VCF-style: chr17-41258523-C-T.
Other names: c.135-1550G>A (NM_001407662.1, NM_001408412.1, NM_001407656.1 and 21 more transcripts); c.-218-11646G>A (NM_001407966.1, NM_001407967.1); c.-169-1550G>A (NM_001407963.1, NM_001407960.1, NM_001407965.1 and 4 more transcripts); c.-27G>A (NM_001407571.1, NM_001407853.1, NM_001407879.1 and 58 more transcripts); c.162G>A, p.Gln54= (NM_001407581.1, NM_001407582.1, NM_001407583.1 and 168 more transcripts); c.21G>A, p.Gln7= (NM_001407692.1, NM_001407694.1, NM_001407695.1 and 99 more transcripts); c.81-1550G>A (NM_001408451.1).
Identifiers: ClinVar variation 865212 (VCV000865212.3), dbSNP rs772226744, ClinGen allele CA500128188.

Conditions:
Breast-ovarian cancer, familial, susceptibility to, 1 (BROVCA1). Also called: BRCA1 Hereditary Breast and Ovarian Cancer; OVARIAN CANCER, SUSCEPTIBILITY TO. Identifiers: Orphanet 145, MedGen C2676676, MONDO:0011450, OMIM 604370. Disease mechanism: loss of function.

Submission:

Brotman Baty Institute, University of Washington
No classification provided (evidence only). Condition: Breast-ovarian cancer, familial 1. Review status: no classification provided. Collection method: in vitro. Allele origin: not applicable. Functional consequence: functionally_normal.
ClinVar note: "not provided" was previously submitted as the classification for the variant. However, the classification appeared to be based only on an observation of functional data so it was converted to no classification on 2025-07-30.